The following is an entry in ClinVar:

NM_000426.4(LAMA2):c.3038-295A>G

Gene: LAMA2 (laminin subunit alpha 2; plus strand). Cytogenetic location: 6q22.33.
Variant type: single nucleotide variant.
Coding change: c.3038-295A>G on transcript NM_000426.4 (MANE Select); 295 bases into the intron before coding-DNA position 3038, A replaced by G.
Molecular consequence: intron variant.
Genome position (GRCh38, 1-based): chr6:129,300,441, A>G. VCF-style: chr6-129300441-A-G. GRCh37 (hg19) VCF-style: chr6-129621586-A-G.
Other names: c.3038-295A>G (NM_001079823.2).
Identifiers: ClinVar variation 684023 (VCV000684023.1), dbSNP rs2326798, ClinGen allele CA12377486.

ClinVar aggregate classification (germline): Benign (1 of 4 stars; one submission).

Allele frequency attached by ClinVar (database versions not stated): 1000 Genomes Project 0.68251; 1000 Genomes Project 30x 0.68364; TOPMed 0.76280; gnomAD 0.78098 and 0.78388.
gnomAD v4.1: 118,830 of 152,066 alleles (78%); highest among the groups gnomAD compares: Non-Finnish European, 88%; 47,531 homozygotes.

Submission:

GeneDx
Classification: Benign. Last evaluated: 2018-06-19. Review status: criteria provided, single submitter. Criteria: GeneDx Variant Classification (06012015). Collection method: clinical testing. Allele origin: germline. Affected: yes.
Comment: This variant is considered likely benign or benign based on one or more of the following criteria: it is a conservative change, it occurs at a poorly conserved position in the protein, it is predicted to be benign by multiple in silico algorithms, and/or has population frequency not consistent with disease.